The following is an entry in ClinVar:

ClinVar aggregate classification (germline): Uncertain significance (1 of 4 stars; one submission).

Conditions:
Idiopathic generalized epilepsy. Also called: EIG; Generalised epilepsy. Identifiers: MedGen C0270850, MONDO:0005579, OMIM 600669.

Submission:

Labcorp Genetics (formerly Invitae), Labcorp
Classification: Uncertain significance for Idiopathic generalized epilepsy. Last evaluated: 2025-03-15. Review status: criteria provided, single submitter. Criteria: Invitae Variant Classification Sherloc (09022015). Collection method: clinical testing. Allele origin: germline.
Comment: This variant, c.692_697dup, results in the insertion of 2 amino acid(s) of the RBFOX3 protein (p.Gly231_Arg232dup), but otherwise preserves the integrity of the reading frame. This variant is present in population databases (no rsID available, gnomAD 0.02%). This variant has not been reported in the literature in individuals affected with RBFOX3-related conditions. In summary, the available evidence is currently insufficient to determine the role of this variant in disease. Therefore, it has been classified as a Variant of Uncertain Significance.

NM_001350451.2(RBFOX3):c.686GCCGGG[3] (p.Arg232_Ala233insGlyArg)

Gene: RBFOX3 (RNA binding fox-1 homolog 3; minus strand). Cytogenetic location: 17q25.3.
Variant type: Microsatellite.
Coding change: c.686GCCGGG[3] on transcript NM_001350451.2 (MANE Select); three copies in a row of the 6-base unit GCCGGG starting at c.686; the reference has two copies in a row; one copy, 6 bases duplicated.
Protein change: p.Arg232_Ala233insGlyArg.
Molecular consequence: inframe insertion.
Genome position (GRCh38, 1-based): chr17:79,097,350-79,097,355, CCCGGC duplicated on the plus strand (GCCGGG on the coding strand, the reverse complement: RBFOX3 is on the minus strand); duplicating any 6 consecutive bases within chr17:79,097,350-79,097,365 gives the same sequence; the position shown is the placement nearest the transcript's 3' end. VCF-style (leftmost placement, unchanged base first): chr17-79097349-G-GCCCGGC. GRCh37 (hg19) VCF-style: chr17-77093431-G-GCCCGGC.
Other names: c.686GCCGGG[3], p.Arg232_Ala233insGlyArg (NM_001082575.3, NM_001350453.2, NM_001385804.1 and 33 more transcripts); c.683GCCGGG[3], p.Arg231_Ala232insGlyArg (NM_001385806.1, NM_001385822.1, NM_001385823.1 and 4 more transcripts); c.593GCCGGG[3], p.Arg201_Ala202insGlyArg (NM_001385824.1); c.707GCCGGG[3], p.Arg239_Ala240insGlyArg (NM_001385827.1); c.539GCCGGG[3], p.Arg183_Ala184insGlyArg (NM_001385847.1).
Identifiers: ClinVar variation 2745407 (VCV002745407.3), dbSNP rs1399450037, ClinGen allele CA627683748.
Genomic context (GRCh38, chr17:79,097,349, plus strand): 5'-CACGCTCCGTAAGTCGGGATGGGGGGTGGGGGTGGCGCAGCCCGAAATGTATTATACACG[G>GCCCGGC]CCCGGCCCCGGCCCCGAAGATGTGCGCCCCGGTAGGCAACGGCTGTGCCGGTGGTGGGGT-3'